The following is an entry in ClinVar:

NM_015506.3(MMACHC):c.277-3_303del

Gene: MMACHC (metabolism of cobalamin associated C; plus strand). Cytogenetic location: 1p34.1.
Variant type: Deletion.
Coding change: c.277-3_303del on transcript NM_015506.3 (MANE Select); 3 bases into the intron before coding-DNA position 277 through coding-DNA position 303, 30 bases deleted (CAGAGCCTCCCAGAGCTGCAGATAGAAATC).
Molecular consequence: splice acceptor variant.
Genome position (GRCh38, 1-based): chr1:45,508,209-45,508,238, CAGAGCCTCCCAGAGCTGCAGATAGAAATC deleted; deleting any 30 consecutive bases within chr1:45,508,207-45,508,238 gives the same sequence; the c. name uses the placement nearest the transcript's 3' end. VCF-style (leftmost placement, unchanged base first): chr1-45508206-TTCCAGAGCCTCCCAGAGCTGCAGATAGAAA-T. GRCh37 (hg19) VCF-style: chr1-45973878-TTCCAGAGCCTCCCAGAGCTGCAGATAGAAA-T.
Other names: c.106-3_132del (NM_001330540.2).
Identifiers: ClinVar variation 4815865 (VCV004815865.1).

ClinVar aggregate classification (germline): Likely pathogenic (1 of 4 stars; one submission).

Conditions:
Cobalamin C disease. Also called: Cobalamin-C methylmalonic acidemia and homocystinuria; Methylmalonic acidemia and homocystinuria cblC type; Methylmalonic aciduria with homocystinuria cblC type; Methylmalonic aciduria and homocystinuria, Vitamin B12-responsive; Vitamin B12 metabolic defect with combined deficiency of methylmalonyl-CoA mutase and homocysteine:methyltetrahydrofolate methyltransferase; methylmalonic aciduria and homocystinuria type cblC. Identifiers: Orphanet 26, Orphanet 79282, MedGen C1848561, MONDO:0010184, OMIM 277400.

Submission:

Natera, Inc.
Classification: Likely pathogenic for Methylmalonic aciduria and homocystinuria cblC type. Last evaluated: 2024-06-12. Review status: criteria provided, single submitter. Criteria: Natera Variant Classification Schema (03/2026). Collection method: clinical testing. Allele origin: germline.
Comment: The c.277-3_303del variant in MMACHC is a deletion affecting a canonical splice acceptor site and part of an exon. This variant is expected to result in nonsense mediated decay, truncation, or a dysfunctional protein product. This variant is rare in the general population with a frequency below the threshold expected for the associated phenotype(s). This variant has been observed in one or more individuals affected with the associated recessive disease, as either homozygous or compound heterozygous with a second variant (PMID: 20631720). Given the available evidence, this variant is classified as Likely Pathogenic.

Literature cited by the submitters: PubMed 20631720.